The following is an entry in ClinVar:

ClinVar aggregate classification (germline): Uncertain significance (1 of 4 stars; one submission).

Submission:

Ambry Genetics
Classification: Uncertain significance. Last evaluated: 2025-07-04. Review status: criteria provided, single submitter. Criteria: Ambry Variant Classification Scheme 2023. Collection method: clinical testing. Allele origin: germline.
Comment: The p.S1672I variant (also known as c.5015G>T), located in coding exon 21 of the WNK2 gene, results from a G to T substitution at nucleotide position 5015. The serine at codon 1672 is replaced by isoleucine, an amino acid with dissimilar properties. This amino acid position is conserved. In addition, this alteration is predicted to be tolerated by in silico analysis. Based on the available evidence, the clinical significance of this variant remains unclear.

NM_006648.4(WNK2):c.5015G>T (p.Ser1672Ile)

Gene: WNK2 (WNK lysine deficient protein kinase 2; plus strand). Cytogenetic location: 9q22.31.
Variant type: single nucleotide variant.
Coding change: c.5015G>T on transcript NM_006648.4 (MANE Select); coding-DNA position 5015, G replaced by T.
Protein change: p.Ser1672Ile; replaces serine 1672 with isoleucine.
Molecular consequence: missense variant.
Genome position (GRCh38, 1-based): chr9:93,292,386, G>T. VCF-style: chr9-93292386-G-T. GRCh37 (hg19) VCF-style: chr9-96054668-G-T.
Other names: c.5126G>T, p.Ser1709Ile (NM_001282394.3); short protein forms S1709I, S1672I.
Identifiers: ClinVar variation 4201591 (VCV004201591.1).